The following is an entry in ClinVar:

NM_001130144.3(LTBP3):c.124G>C (p.Glu42Gln)

Gene: LTBP3 (latent transforming growth factor beta binding protein 3; minus strand). Cytogenetic location: 11q13.1.
Variant type: single nucleotide variant.
Coding change: c.124G>C on transcript NM_001130144.3 (MANE Select); coding-DNA position 124, G replaced by C.
Protein change: p.Glu42Gln; replaces glutamic acid 42 with glutamine.
Molecular consequence: missense variant. On other transcripts: 5 prime UTR variant (1).
Genome position (GRCh38, 1-based): chr11:65,557,836, C>G on the plus strand (G>C on the coding strand, the complement: LTBP3 is on the minus strand). VCF-style: chr11-65557836-C-G. GRCh37 (hg19) VCF-style: chr11-65325307-C-G.
Other names: c.-224G>C (NM_001164266.1); c.124G>C, p.Glu42Gln (NM_021070.4); short protein forms E42Q.
Identifiers: ClinVar variation 3673573 (VCV003673573.2).

ClinVar aggregate classification (germline): Uncertain significance (1 of 4 stars; one submission).

Conditions:
Brachyolmia-amelogenesis imperfecta syndrome. Also called: PLATYSPONDYLY WITH AMELOGENESIS IMPERFECTA; Tooth agenesis, selective, 6; Dental anomalies and short stature. Identifiers: Orphanet 2899, MedGen C1832594, MONDO:0011018, OMIM 601216. Disease mechanism: loss of function.

gnomAD v4.1: 11 of 1,408,236 alleles (0.00078%); highest among the groups gnomAD compares: South Asian, 0.013%; no homozygotes.

Submission:

Labcorp Genetics (formerly Invitae), Labcorp
Classification: Uncertain significance for Brachyolmia-amelogenesis imperfecta syndrome. Last evaluated: 2025-11-05. Review status: criteria provided, single submitter. Criteria: Invitae Variant Classification Sherloc (09022015). Collection method: clinical testing. Allele origin: germline.
Comment: This sequence change replaces glutamic acid, which is acidic and polar, with glutamine, which is neutral and polar, at codon 42 of the LTBP3 protein (p.Glu42Gln). This variant is present in population databases (rs765528252, gnomAD 0.02%). This variant has not been reported in the literature in individuals affected with LTBP3-related conditions. ClinVar contains an entry for this variant (Variation ID: 3673573). Experimental studies and prediction algorithms are not available or were not evaluated, and the functional significance of this variant is currently unknown. In summary, the available evidence is currently insufficient to determine the role of this variant in disease. Therefore, it has been classified as a Variant of Uncertain Significance.